The following is an entry in ClinVar:

ClinVar aggregate classification (germline): Uncertain significance (1 of 4 stars; one submission).

Conditions:
Inborn genetic diseases. Identifiers: MedGen C0950123, MeSH D030342.

Submission:

Ambry Genetics
Classification: Uncertain significance for Inborn genetic diseases. Last evaluated: 2025-12-18. Review status: criteria provided, single submitter. Criteria: Ambry Variant Classification Scheme 2023. Collection method: clinical testing. Allele origin: germline.
Comment: The p.M153K variant (also known as c.458T>A), located in coding exon 4 of the CEP57 gene, results from a T to A substitution at nucleotide position 458. The methionine at codon 153 is replaced by lysine, an amino acid with similar properties. This amino acid position is conserved. In addition, this alteration is predicted to be deleterious by in silico analysis. Based on the available evidence, the clinical significance of this variant remains unclear.

NM_014679.5(CEP57):c.458T>A (p.Met153Lys)

Gene: CEP57 (centrosomal protein 57; plus strand). Cytogenetic location: 11q21.
Variant type: single nucleotide variant.
Coding change: c.458T>A on transcript NM_014679.5 (MANE Select); coding-DNA position 458, T replaced by A.
Protein change: p.Met153Lys; replaces methionine 153 with lysine.
Molecular consequence: missense variant.
Genome position (GRCh38, 1-based): chr11:95,813,543, T>A. VCF-style: chr11-95813543-T-A. GRCh37 (hg19) VCF-style: chr11-95546707-T-A.
Other names: c.278T>A, p.Met93Lys (NM_001440873.1, NM_001440881.1); c.458T>A, p.Met153Lys (NM_001440874.1, NM_001440876.1, NM_001440879.1 and 4 more transcripts); c.377T>A, p.Met126Lys (NM_001440875.1, NM_001440877.1, NM_001440878.1 and 3 more transcripts); c.197T>A, p.Met66Lys (NM_001440880.1); c.431T>A, p.Met144Lys (NM_001243776.2); short protein forms M126K, M144K, M66K, M153K, M93K.
Identifiers: ClinVar variation 4842309 (VCV004842309.1).